The following is an entry in ClinVar:

NM_001134407.3(GRIN2A):c.1122+320G>A

Gene: GRIN2A (glutamate ionotropic receptor NMDA type subunit 2A; minus strand). Cytogenetic location: 16p13.2.
Variant type: single nucleotide variant.
Coding change: c.1122+320G>A on transcript NM_001134407.3 (MANE Select); 320 bases into the intron after coding-DNA position 1122, G replaced by A.
Molecular consequence: intron variant.
Genome position (GRCh38, 1-based): chr16:9,890,666, C>T on the plus strand (G>A on the coding strand, the complement: GRIN2A is on the minus strand). VCF-style: chr16-9890666-C-T. GRCh37 (hg19) VCF-style: chr16-9984523-C-T.
Other names: c.1122+320G>A (NM_001134408.2, NM_000833.5).
Identifiers: ClinVar variation 683415 (VCV000683415.1), dbSNP rs9931155, ClinGen allele CA14294145.

ClinVar aggregate classification (germline): Benign (1 of 4 stars; one submission).

Allele frequency attached by ClinVar (database versions not stated): 1000 Genomes Project 0.29692; 1000 Genomes Project 30x 0.30887; gnomAD 0.32348 and 0.33541; TOPMed 0.33774.
gnomAD v4.1: 49,110 of 152,088 alleles (32%); highest among the groups gnomAD compares: African/African-American, 58%; 10,002 homozygotes.

Submission:

GeneDx
Classification: Benign. Last evaluated: 2018-06-19. Review status: criteria provided, single submitter. Criteria: GeneDx Variant Classification (06012015). Collection method: clinical testing. Allele origin: germline. Affected: yes.
Comment: This variant is considered likely benign or benign based on one or more of the following criteria: it is a conservative change, it occurs at a poorly conserved position in the protein, it is predicted to be benign by multiple in silico algorithms, and/or has population frequency not consistent with disease.